The following is an entry in ClinVar:

ClinVar aggregate classification (germline): Uncertain significance (1 of 4 stars; one submission).

Conditions:
Severe combined immunodeficiency due to LCK deficiency. Also called: Immunodeficiency 22. Identifiers: Orphanet 280142, MedGen C4014233, MONDO:0014334, OMIM 615758.

gnomAD v4.1: 23 of 1,614,100 alleles (0.0014%); highest among the groups gnomAD compares: Middle Eastern, 0.016%; no homozygotes.

Submission:

Labcorp Genetics (formerly Invitae), Labcorp
Classification: Uncertain significance for Severe combined immunodeficiency due to LCK deficiency. Last evaluated: 2024-11-11. Review status: criteria provided, single submitter. Criteria: Invitae Variant Classification Sherloc (09022015). Collection method: clinical testing. Allele origin: germline.
Comment: This sequence change replaces arginine, which is basic and polar, with glutamine, which is neutral and polar, at codon 358 of the LCK protein (p.Arg358Gln). This variant is present in population databases (no rsID available, gnomAD 0.009%). This variant has not been reported in the literature in individuals affected with LCK-related conditions. An algorithm developed to predict the effect of missense changes on protein structure and function outputs the following: PolyPhen-2: "Benign". The glutamine amino acid residue is found in multiple mammalian species, which suggests that this missense change does not adversely affect protein function. In summary, the available evidence is currently insufficient to determine the role of this variant in disease. Therefore, it has been classified as a Variant of Uncertain Significance.

NM_005356.5(LCK):c.1073G>A (p.Arg358Gln)

Gene: LCK (LCK proto-oncogene, Src family tyrosine kinase; plus strand). Cytogenetic location: 1p35.2.
Variant type: single nucleotide variant.
Coding change: c.1073G>A on transcript NM_005356.5 (MANE Select); coding-DNA position 1073, G replaced by A.
Protein change: p.Arg358Gln; replaces arginine 358 with glutamine.
Molecular consequence: missense variant.
Genome position (GRCh38, 1-based): chr1:32,279,872, G>A. VCF-style: chr1-32279872-G-A. GRCh37 (hg19) VCF-style: chr1-32745473-G-A.
Other names: c.1073G>A, p.Arg358Gln (NM_001042771.3); c.920G>A, p.Arg307Gln (NM_001330468.2); short protein forms R307Q, R358Q.
Identifiers: ClinVar variation 3604351 (VCV003604351.2).